The following is an entry in ClinVar:

NM_001060.6(TBXA2R):c.740_741delinsAT (p.Leu247His)

Gene: TBXA2R (thromboxane A2 receptor; minus strand). Cytogenetic location: 19p13.3.
Variant type: Indel.
Coding change: c.740_741delinsAT on transcript NM_001060.6 (MANE Select); coding-DNA positions 740 to 741, TC replaced by AT.
Protein change: p.Leu247His; replaces leucine 247 with histidine.
Molecular consequence: missense variant.
Genome position (GRCh38, 1-based): chr19:3,599,894-3,599,895, GA replaced by AT on the plus strand (TC replaced by AT on the coding strand, the reverse complement: TBXA2R is on the minus strand). VCF-style: chr19-3599894-GA-AT. GRCh37 (hg19) VCF-style: chr19-3599892-GA-AT.
Other names: c.740_741delinsAT, p.Leu247His (NM_201636.3); short protein forms L247H.
Identifiers: ClinVar variation 4993184 (VCV004993184.1).

ClinVar aggregate classification (germline): Uncertain significance (1 of 4 stars; one submission).

Conditions:
TBXA2R-related disorder. Also called: TBXA2R-related condition.

Submission:

PreventionGenetics, part of Exact Sciences
Classification: Uncertain significance for TBXA2R-related condition. Last evaluated: 2026-05-30. Review status: criteria provided, single submitter. Criteria: ACMG Guidelines, 2015. Collection method: clinical testing. Allele origin: germline.
Comment: The TBXA2R c.740_741delinsAT variant is predicted to result in an in-frame deletion and insertion. To our knowledge, this variant has not been reported in the literature or in a large population database (gnomAD), indicating this variant is rare. At this time, the clinical significance of this variant is uncertain due to the absence of conclusive functional and genetic evidence.